The following is an entry in ClinVar:

ClinVar aggregate classification (germline): Likely benign. Review status: criteria provided, multiple submitters, no conflicts (2 of 4 stars). 2 submissions from 2 submitters: Likely benign (2). Last evaluated 2025-06-17.

Allele frequency attached by ClinVar (database versions not stated): gnomAD 0.00029 and 0.00032; gnomAD exomes 0.00035; TOPMed 0.00037; ExAC 0.00039; 1000 Genomes Project 30x 0.00047; 1000 Genomes Project 0.00080.
gnomAD v4.1: 628 of 1,613,996 alleles (0.039%); highest among the groups gnomAD compares: East Asian, 0.062%; 1 homozygote.

Submissions (2):

Labcorp Genetics (formerly Invitae), Labcorp
Classification: Likely benign. Last evaluated: 2025-06-17. Review status: criteria provided, single submitter. Criteria: Invitae Variant Classification Sherloc (09022015). Collection method: clinical testing. Allele origin: germline.

CeGaT Center for Human Genetics Tuebingen
Classification: Likely benign. Last evaluated: 2023-04-01. Review status: criteria provided, single submitter. Criteria: CeGaT Center For Human Genetics Tuebingen Variant Classification Criteria Version 2. Collection method: clinical testing. Allele origin: germline. Affected: yes. Observed: 1 variant allele.
Comment: KRT6B: BP4, BP7

NM_005555.4(KRT6B):c.1359C>T (p.Asn453=)

Gene: KRT6B (keratin 6B; minus strand). Cytogenetic location: 12q13.13.
Variant type: single nucleotide variant.
Coding change: c.1359C>T on transcript NM_005555.4 (MANE Select); coding-DNA position 1359, C replaced by T.
Protein change: p.Asn453=; no amino-acid change (asparagine 453 retained).
Molecular consequence: synonymous variant.
Genome position (GRCh38, 1-based): chr12:52,447,843, G>A on the plus strand (C>T on the coding strand, the complement: KRT6B is on the minus strand). VCF-style: chr12-52447843-G-A. GRCh37 (hg19) VCF-style: chr12-52841627-G-A.
Identifiers: ClinVar variation 733948 (VCV000733948.31), dbSNP rs145280284, ClinGen allele CA6580436.